The following is an entry in ClinVar:

NM_001374353.1(GLI2):c.360G>A (p.Pro120=)

Gene: GLI2 (GLI family zinc finger 2; plus strand). Cytogenetic location: 2q14.2.
Variant type: single nucleotide variant.
Coding change: c.360G>A on transcript NM_001374353.1 (MANE Select); coding-DNA position 360, G replaced by A.
Protein change: p.Pro120=; no amino-acid change (proline 120 retained).
Molecular consequence: synonymous variant. On other transcripts: 5 prime UTR variant (1).
Genome position (GRCh38, 1-based): chr2:120,951,348, G>A. VCF-style: chr2-120951348-G-A. GRCh37 (hg19) VCF-style: chr2-121708924-G-A.
Other names: c.360G>A, p.Pro120= (NM_001371271.1, NM_005270.5); c.-16G>A (NM_001374354.1).
Identifiers: ClinVar variation 3353167 (VCV003353167.1).

ClinVar aggregate classification (germline): Likely benign (0 of 4 stars; one submission).

Conditions:
GLI2-related disorder. Also called: GLI2-related condition; GLI2-related disorders.

gnomAD v4.1: 11 of 1,536,322 alleles (0.00072%); highest among the groups gnomAD compares: South Asian, 0.0022%; no homozygotes.

Submission:

PreventionGenetics, part of Exact Sciences
Classification: Likely benign for GLI2-related condition. Last evaluated: 2019-02-28. Review status: no assertion criteria provided. Collection method: clinical testing. Allele origin: germline.
Comment: This variant is classified as likely benign based on ACMG/AMP sequence variant interpretation guidelines (Richards et al. 2015 PMID: 25741868, with internal and published modifications).